The following is an entry in ClinVar:

NM_015295.3(SMCHD1):c.3854T>C (p.Leu1285Pro)

Gene: SMCHD1 (structural maintenance of chromosomes flexible hinge domain containing 1; plus strand). Cytogenetic location: 18p11.32.
Variant type: single nucleotide variant.
Coding change: c.3854T>C on transcript NM_015295.3 (MANE Select); coding-DNA position 3854, T replaced by C.
Protein change: p.Leu1285Pro; replaces leucine 1285 with proline.
Molecular consequence: missense variant.
Genome position (GRCh38, 1-based): chr18:2,747,574, T>C. VCF-style: chr18-2747574-T-C. GRCh37 (hg19) VCF-style: chr18-2747572-T-C.
Other names: short protein forms L1285P.
Identifiers: ClinVar variation 2716586 (VCV002716586.3), dbSNP rs2510116074, ClinGen allele CA401690711.

ClinVar aggregate classification (germline): Uncertain significance (1 of 4 stars; one submission).

Conditions:
Facioscapulohumeral muscular dystrophy 2 (FSHD2). Also called: FACIOSCAPULOHUMERAL MUSCULAR DYSTROPHY 2, DIGENIC; FSHD2, DIGENIC; MUSCULAR DYSTROPHY, FACIOSCAPULOHUMERAL, TYPE 1B. Identifiers: Orphanet 269, MedGen C1834671, MONDO:0008031, OMIM 158901.

gnomAD v4.1: 1 of 1,610,244 alleles (0.000062%); no homozygotes.

Submission:

Labcorp Genetics (formerly Invitae), Labcorp
Classification: Uncertain significance for Facioscapulohumeral muscular dystrophy 2. Last evaluated: 2023-06-22. Review status: criteria provided, single submitter. Criteria: Invitae Variant Classification Sherloc (09022015). Collection method: clinical testing. Allele origin: germline.
Comment: This sequence change replaces leucine, which is neutral and non-polar, with proline, which is neutral and non-polar, at codon 1285 of the SMCHD1 protein (p.Leu1285Pro). This variant is not present in population databases (gnomAD no frequency). This variant has not been reported in the literature in individuals affected with SMCHD1-related conditions. Advanced modeling of protein sequence and biophysical properties (such as structural, functional, and spatial information, amino acid conservation, physicochemical variation, residue mobility, and thermodynamic stability) performed at Invitae indicates that this missense variant is expected to disrupt SMCHD1 protein function. In summary, the available evidence is currently insufficient to determine the role of this variant in disease. Therefore, it has been classified as a Variant of Uncertain Significance.